The following is an entry in ClinVar:

ClinVar aggregate classification (germline): Uncertain significance (1 of 4 stars; one submission).

Conditions:
Tuberous sclerosis 2 (TSC2). Identifiers: Orphanet 805, MedGen C1860707, MONDO:0013199, OMIM 613254.

Submission:

Labcorp Genetics (formerly Invitae), Labcorp
Classification: Uncertain significance for Tuberous sclerosis 2. Last evaluated: 2021-09-02. Review status: criteria provided, single submitter. Criteria: Invitae Variant Classification Sherloc (09022015). Collection method: clinical testing. Allele origin: germline.
Comment: This variant has not been reported in the literature in individuals affected with TSC2-related conditions. In summary, the available evidence is currently insufficient to determine the role of this variant in disease. Therefore, it has been classified as a Variant of Uncertain Significance. Experimental studies and prediction algorithms are not available or were not evaluated, and the functional significance of this variant is currently unknown. This variant occurs in a non-coding region of the TSC2 gene. It does not change the encoded amino acid sequence of the TSC2 protein.

NC_000016.9:g.(?_2089925)_(2098066_?)del

Genes: NTHL1 (nth like DNA glycosylase 1; minus strand), TSC2 (TSC complex subunit 2; plus strand). Cytogenetic location: 16p13.3.
Variant type: Deletion.
Identifiers: ClinVar variation 1373183 (VCV001373183.4).